The following is an entry in ClinVar:

ClinVar aggregate classification (germline): Uncertain significance. Review status: criteria provided, multiple submitters, no conflicts (2 of 4 stars). 3 submissions from 3 submitters: Uncertain significance (2). 1 of the submissions does not count toward it. Last evaluated 2025-02-27.

Conditions:
EVC2-related disorder. Also called: EVC2-related condition.
Inborn genetic diseases. Identifiers: MedGen C0950123, MeSH D030342.
Ellis-van Creveld syndrome (EVC). Also called: MESOECTODERMAL DYSPLASIA; EVC-Related Ellis-van Creveld Syndrome; EVC2-Related Ellis-van Creveld Syndrome; Chondroectodermal dysplasia. Identifiers: Orphanet 289, MedGen C0013903, MONDO:0009162, OMIM 225500.
Curry-Hall syndrome (WAD). Also called: WEYERS ACRODENTAL DYSOSTOSIS. Identifiers: Orphanet 952, MedGen C0457013, MONDO:0008673, OMIM 193530.

gnomAD v4.1: 3 of 1,469,020 alleles (0.0002%); highest among the groups gnomAD compares: African/African-American, 0.003%; no homozygotes.

Submissions (3):

Ambry Genetics
Classification: Uncertain significance for Inborn genetic diseases. Last evaluated: 2025-02-27. Review status: criteria provided, single submitter. Criteria: Ambry Variant Classification Scheme 2023. Collection method: clinical testing. Allele origin: germline.

Labcorp Genetics (formerly Invitae), Labcorp
Classification: Uncertain significance for Curry-Hall syndrome; Ellis-van Creveld syndrome. Last evaluated: 2024-03-13. Review status: criteria provided, single submitter. Criteria: Invitae Variant Classification Sherloc (09022015). Collection method: clinical testing. Allele origin: germline.
Comment: This sequence change replaces isoleucine, which is neutral and non-polar, with phenylalanine, which is neutral and non-polar, at codon 62 of the EVC2 protein (p.Ile62Phe). This variant is not present in population databases (gnomAD no frequency). This variant has not been reported in the literature in individuals affected with EVC2-related conditions. An algorithm developed to predict the effect of missense changes on protein structure and function (PolyPhen-2) suggests that this variant is likely to be tolerated. In summary, the available evidence is currently insufficient to determine the role of this variant in disease. Therefore, it has been classified as a Variant of Uncertain Significance.

PreventionGenetics, part of Exact Sciences
Classification: Uncertain significance for EVC2-related condition. Last evaluated: 2024-09-26. Review status: no assertion criteria provided. Collection method: clinical testing. Allele origin: germline. Not counted in ClinVar's aggregate classification.
Comment: The EVC2 c.184A>T variant is predicted to result in the amino acid substitution p.Ile62Phe. To our knowledge, this variant has not been reported in the literature or in a large population database, indicating this variant is rare. At this time, the clinical significance of this variant is uncertain due to the absence of conclusive functional and genetic evidence.

NM_147127.5(EVC2):c.184A>T (p.Ile62Phe)

Gene: EVC2 (EvC ciliary complex subunit 2; minus strand). Cytogenetic location: 4p16.2.
Variant type: single nucleotide variant.
Coding change: c.184A>T on transcript NM_147127.5 (MANE Select); coding-DNA position 184, A replaced by T.
Protein change: p.Ile62Phe; replaces isoleucine 62 with phenylalanine.
Molecular consequence: missense variant. On other transcripts: intron variant (1).
Genome position (GRCh38, 1-based): chr4:5,708,330, T>A on the plus strand (A>T on the coding strand, the complement: EVC2 is on the minus strand). VCF-style: chr4-5708330-T-A. GRCh37 (hg19) VCF-style: chr4-5710057-T-A.
Other names: c.-13+499A>T (NM_001166136.2); short protein forms I62F.
Identifiers: ClinVar variation 3346836 (VCV003346836.4).